The following is an entry in ClinVar:

NM_033641.4(COL4A6):c.4350A>G (p.Gln1450=)

Gene: COL4A6 (collagen type IV alpha 6 chain; minus strand). Cytogenetic location: Xq22.3.
Variant type: single nucleotide variant.
Coding change: c.4350A>G on transcript NM_033641.4 (MANE Select); coding-DNA position 4350, A replaced by G.
Protein change: p.Gln1450=; no amino-acid change (glutamine 1450 retained).
Molecular consequence: synonymous variant.
Genome position (GRCh38, 1-based): chrX:108,160,638, T>C on the plus strand (A>G on the coding strand, the complement: COL4A6 is on the minus strand). VCF-style: chrX-108160638-T-C. GRCh37 (hg19) VCF-style: chrX-107403868-T-C.
Other names: c.4353A>G (NM_001847.3); c.4401A>G, p.Gln1467= (NM_001287758.2); c.4278A>G, p.Gln1426= (NM_001287759.2); c.4179A>G, p.Gln1393= (NM_001287760.2); c.4353A>G, p.Gln1451= (NM_001847.4).
Identifiers: ClinVar variation 2162542 (VCV002162542.6), dbSNP rs201524889, ClinGen allele CA10487204.

ClinVar aggregate classification (germline): Likely benign. Review status: criteria provided, single submitter (1 of 4 stars). 2 submissions from 2 submitters: Likely benign (1). 1 of the submissions does not count toward it. Last evaluated 2022-07-21.

Conditions:
COL4A6-related disorder. Also called: COL4A6-related condition.

Allele frequency attached by ClinVar (database versions not stated): gnomAD exomes below 0.00001; TOPMed 0.00003; ExAC 0.00004; gnomAD 0.00005; ESP Exome Variant Server 0.00009; 1000 Genomes Project 30x 0.00042; 1000 Genomes Project 0.00053.
gnomAD v4.1: 11 of 1,205,944 alleles (0.00091%); highest among the groups gnomAD compares: African/African-American, 0.017%; no homozygotes.

Submissions (2):

Labcorp Genetics (formerly Invitae), Labcorp
Classification: Likely benign. Last evaluated: 2022-07-21. Review status: criteria provided, single submitter. Criteria: Invitae Variant Classification Sherloc (09022015). Collection method: clinical testing. Allele origin: germline.

PreventionGenetics, part of Exact Sciences
Classification: Likely benign for COL4A6-related condition. Last evaluated: 2022-12-20. Review status: no assertion criteria provided. Collection method: clinical testing. Allele origin: germline. Not counted in ClinVar's aggregate classification.
Comment: This variant is classified as likely benign based on ACMG/AMP sequence variant interpretation guidelines (Richards et al. 2015 PMID: 25741868, with internal and published modifications).